The following is an entry in ClinVar:

NM_000069.3(CACNA1S):c.3257G>T (p.Arg1086Leu)

Gene: CACNA1S (calcium voltage-gated channel subunit alpha1 S; minus strand). Cytogenetic location: 1q32.1.
Variant type: single nucleotide variant.
Coding change: c.3257G>T on transcript NM_000069.3 (MANE Select); coding-DNA position 3257, G replaced by T.
Protein change: p.Arg1086Leu; replaces arginine 1086 with leucine.
Molecular consequence: missense variant.
Genome position (GRCh38, 1-based): chr1:201,060,815, C>A on the plus strand (G>T on the coding strand, the complement: CACNA1S is on the minus strand). VCF-style: chr1-201060815-C-A. GRCh37 (hg19) VCF-style: chr1-201029943-C-A.
Other names: short protein forms R1086L.
Identifiers: ClinVar variation 3386330 (VCV003386330.1).

ClinVar aggregate classification (germline): Uncertain significance (1 of 4 stars; one submission).

Conditions:
Malignant hyperthermia, susceptibility to, 5 (MHS5). Also called: CACNA1S-Related Malignant Hyperthermia Susceptibility. Identifiers: Orphanet 423, MedGen C1866077, MONDO:0011163, OMIM 601887.

Allele frequency attached by ClinVar (database versions not stated): ExAC 0.00001.
gnomAD v4.1: 3 of 1,614,180 alleles (0.00019%); highest among the groups gnomAD compares: Admixed American, 0.0033%; no homozygotes.

Submission:

All of Us Research Program, National Institutes of Health
Classification: Uncertain significance for Malignant hyperthermia, susceptibility to, 5. Last evaluated: 2024-04-30. Review status: criteria provided, single submitter. Criteria: ACMG Guidelines, 2015. Collection method: clinical testing. Allele origin: germline. Inheritance: Autosomal dominant inheritance. Observed: 1 variant allele, 1 heterozygote.
Comment: To date, this variant has not been reported in association with human disease in the medical literature. This variant is present in 2/251440 total alleles in the Genome Aggregation Database. A different missense substitution (R1086H) at this amino acid residue has been previously reported in individuals with Malignant Hyperthermia Susceptibility and classified as pathogenic (PMID: 1800559, 28011884, 31851124, 9199552, 11260227, 12411788, 16163667, 15201141, 20431982, 30236257, 8024130, 15201141), which supports the functional importance of this position. This variant is predicted to be deleterious by in silico analysis.

This study involves interpretation of variants in research participants for the purpose of population health screening. Participant phenotype was not available at the time of variant classification. Additional details can be found in publication PMID: 35346344, PMCID: PMC8962531

Literature cited by the submitters: PubMed 1800559; PubMed 8024130; PubMed 9199552; PubMed 11260227; PubMed 12411788; PubMed 15201141; PubMed 16163667; PubMed 20431982; PubMed 28011884; PubMed 30236257; PubMed 31851124.